The following is an entry in ClinVar:

ClinVar aggregate classification (germline): Uncertain significance. Review status: criteria provided, multiple submitters, no conflicts (2 of 4 stars). 2 submissions from 2 submitters: Uncertain significance (2). Last evaluated 2025-01-27.

Conditions:
Dilated cardiomyopathy 1JJ (CMD1JJ). Identifiers: Orphanet 154, MedGen C3808935, MONDO:0014095, OMIM 615235.

Allele frequency attached by ClinVar (database versions not stated): gnomAD exomes 0.00001.
gnomAD v4.1: 10 of 1,614,122 alleles (0.00062%); highest among the groups gnomAD compares: South Asian, 0.0077%; 1 homozygote.

Submissions (2):

Labcorp Genetics (formerly Invitae), Labcorp
Classification: Uncertain significance for Dilated cardiomyopathy 1JJ. Last evaluated: 2025-01-27. Review status: criteria provided, single submitter. Criteria: Invitae Variant Classification Sherloc (09022015). Collection method: clinical testing. Allele origin: germline.
Comment: This sequence change replaces threonine, which is neutral and polar, with isoleucine, which is neutral and non-polar, at codon 1783 of the LAMA4 protein (p.Thr1783Ile). This variant is not present in population databases (gnomAD no frequency). This variant has not been reported in the literature in individuals affected with LAMA4-related conditions. ClinVar contains an entry for this variant (Variation ID: 191679). Invitae Evidence Modeling of protein sequence and biophysical properties (such as structural, functional, and spatial information, amino acid conservation, physicochemical variation, residue mobility, and thermodynamic stability) indicates that this missense variant is not expected to disrupt LAMA4 protein function with a negative predictive value of 80%. In summary, the available evidence is currently insufficient to determine the role of this variant in disease. Therefore, it has been classified as a Variant of Uncertain Significance.

Biesecker Lab/Clinical Genomics Section, National Institutes of Health
Classification: Uncertain significance. Last evaluated: 2013-06-24. Review status: criteria provided, single submitter. Criteria: Ng et al. (Circ Cardiovasc Genet. 2013). Collection method: research. Allele origin: unknown. Observed: 1 variant allele. Study: ClinSeq.
Comment: The study set was not selected for affection status in relation to any cancer. Pathogenicity categories were based on literature curation. See Pubmed ID:23861362 for details.

Medical sequencing

NM_001105206.3(LAMA4):c.5369C>T (p.Thr1790Ile)

Gene: LAMA4 (laminin subunit alpha 4; minus strand). Cytogenetic location: 6q21.
Variant type: single nucleotide variant.
Coding change: c.5369C>T on transcript NM_001105206.3 (MANE Select); coding-DNA position 5369, C replaced by T.
Protein change: p.Thr1790Ile; replaces threonine 1790 with isoleucine.
Molecular consequence: missense variant.
Genome position (GRCh38, 1-based): chr6:112,109,540, G>A on the plus strand (C>T on the coding strand, the complement: LAMA4 is on the minus strand). VCF-style: chr6-112109540-G-A. GRCh37 (hg19) VCF-style: chr6-112430743-G-A.
Other names: c.5348C>T (LRG_433t2); c.5348C>T, p.Thr1783Ile (NM_001105207.3, NM_002290.5); short protein forms T1783I, T1790I.
Identifiers: ClinVar variation 191679 (VCV000191679.3), dbSNP rs786205409, ClinGen allele CA237247.